The following is an entry in ClinVar:

ClinVar aggregate classification (germline): Uncertain significance. Review status: criteria provided, multiple submitters, no conflicts (2 of 4 stars). 2 submissions from 2 submitters: Uncertain significance (2). Last evaluated 2025-12-15.

Conditions:
Hereditary cancer-predisposing syndrome. Also called: Tumor predisposition; Hereditary neoplastic syndrome; Neoplastic Syndromes, Hereditary; Hereditary Cancer Syndrome. Identifiers: Orphanet 140162, MedGen C0027672, MeSH D009386, MONDO:0015356.
Cardiovascular phenotype. Identifiers: MedGen CN230736.

gnomAD v4.1: 4 of 1,606,416 alleles (0.00025%); highest among the groups gnomAD compares: Non-Finnish European, 0.00034%; no homozygotes.

Submissions (2):

Labcorp Genetics (formerly Invitae), Labcorp
Classification: Uncertain significance. Last evaluated: 2025-12-15. Review status: criteria provided, single submitter. Criteria: Invitae Variant Classification Sherloc (09022015). Collection method: clinical testing. Allele origin: germline.
Comment: This sequence change replaces glycine, which is neutral and non-polar, with arginine, which is basic and polar, at codon 414 of the LZTR1 protein (p.Gly414Arg). This variant is not present in population databases (gnomAD no frequency). This variant has not been reported in the literature in individuals affected with LZTR1-related conditions. ClinVar contains an entry for this variant (Variation ID: 1491019). Invitae Evidence Modeling of protein sequence and biophysical properties (such as structural, functional, and spatial information, amino acid conservation, physicochemical variation, residue mobility, and thermodynamic stability) indicates that this missense variant is not expected to disrupt LZTR1 protein function with a negative predictive value of 80%. In summary, the available evidence is currently insufficient to determine the role of this variant in disease. Therefore, it has been classified as a Variant of Uncertain Significance.

Ambry Genetics
Classification: Uncertain significance for Cardiovascular phenotype; Hereditary cancer-predisposing syndrome. Last evaluated: 2024-09-15. Review status: criteria provided, single submitter. Criteria: Ambry Variant Classification Scheme 2023. Collection method: clinical testing. Allele origin: germline.
Comment: The p.G414R variant (also known as c.1240G>A), located in coding exon 11 of the LZTR1 gene, results from a G to A substitution at nucleotide position 1240. The glycine at codon 414 is replaced by arginine, an amino acid with dissimilar properties. This amino acid position is conserved. In addition, the in silico prediction for this alteration is inconclusive. Based on the available evidence, the clinical significance of this variant remains unclear.

NM_006767.4(LZTR1):c.1240G>A (p.Gly414Arg)

Gene: LZTR1 (leucine zipper like post translational regulator 1; plus strand). Cytogenetic location: 22q11.21.
Variant type: single nucleotide variant.
Coding change: c.1240G>A on transcript NM_006767.4 (MANE Select); coding-DNA position 1240, G replaced by A.
Protein change: p.Gly414Arg; replaces glycine 414 with arginine.
Molecular consequence: missense variant.
Genome position (GRCh38, 1-based): chr22:20,992,884, G>A. VCF-style: chr22-20992884-G-A. GRCh37 (hg19) VCF-style: chr22-21347173-G-A.
Other names: c.1240G>A (NM_006767.3); short protein forms G414R.
Identifiers: ClinVar variation 1491019 (VCV001491019.7), dbSNP rs2147966033, ClinGen allele CA410774062.
Genomic context (GRCh38, chr22:20,992,884, plus strand): 5'-GCTGTCATCTCGGACGCCATGTACATCTTCGGGGGCACGGTGGACAACAACATCCGCAGC[G>A]GGGAGATGTACAGGTTCCAGGTGTGGGGCCTGTGGGCCTGTAGAGCCGGCTGGGTGGACG-3'
Protein context (NP_006758.2, residues 404-424): GGTVDNNIRS[Gly414Arg]EMYRFQFSCY